The following is an entry in ClinVar:

ClinVar aggregate classification (germline): Uncertain significance (1 of 4 stars; one submission).

Allele frequency attached by ClinVar (database versions not stated): gnomAD exomes 0.00001; ExAC 0.00003; gnomAD 0.00001.
gnomAD v4.1: 14 of 1,613,190 alleles (0.00087%); highest among the groups gnomAD compares: South Asian, 0.0033%; no homozygotes.

Submission:

Labcorp Genetics (formerly Invitae), Labcorp
Classification: Uncertain significance. Last evaluated: 2025-12-31. Review status: criteria provided, single submitter. Criteria: Invitae Variant Classification Sherloc (09022015). Collection method: clinical testing. Allele origin: germline.
Comment: This sequence change replaces glutamic acid, which is acidic and polar, with lysine, which is basic and polar, at codon 520 of the PITPNM3 protein (p.Glu520Lys). This variant is present in population databases (rs769654511, gnomAD 0.01%). This variant has not been reported in the literature in individuals affected with PITPNM3-related conditions. ClinVar contains an entry for this variant (Variation ID: 1970523). Invitae Evidence Modeling of protein sequence and biophysical properties (such as structural, functional, and spatial information, amino acid conservation, physicochemical variation, residue mobility, and thermodynamic stability) indicates that this missense variant is not expected to disrupt PITPNM3 protein function with a negative predictive value of 80%. In summary, the available evidence is currently insufficient to determine the role of this variant in disease. Therefore, it has been classified as a Variant of Uncertain Significance.

NM_031220.4(PITPNM3):c.1558G>A (p.Glu520Lys)

Gene: PITPNM3 (PITPNM family member 3; minus strand). Cytogenetic location: 17p13.2.
Variant type: single nucleotide variant.
Coding change: c.1558G>A on transcript NM_031220.4 (MANE Select); coding-DNA position 1558, G replaced by A.
Protein change: p.Glu520Lys; replaces glutamic acid 520 with lysine.
Molecular consequence: missense variant.
Genome position (GRCh38, 1-based): chr17:6,471,227, C>T on the plus strand (G>A on the coding strand, the complement: PITPNM3 is on the minus strand). VCF-style: chr17-6471227-C-T. GRCh37 (hg19) VCF-style: chr17-6374547-C-T.
Other names: c.1450G>A, p.Glu484Lys (NM_001165966.2); short protein forms E484K, E520K.
Identifiers: ClinVar variation 1970523 (VCV001970523.5), dbSNP rs769654511, ClinGen allele CA8329474.